The following is an entry in ClinVar:

ClinVar aggregate classification (germline): Benign. Review status: reviewed by expert panel (3 of 4 stars). 3 submissions from 3 submitters: Benign (1). 2 of the submissions do not count toward it. Last evaluated 2024-08-28.

Conditions:
Hereditary thrombocytopenia and hematologic cancer predisposition syndrome. Identifiers: Orphanet 71290, MedGen CN281654, MONDO:0011071.
Hereditary thrombocytopenia and hematological cancer predisposition syndrome associated with RUNX1. Also called: PLATELET DISORDER, ASPIRIN-LIKE; RUNX1 Familial Platelet Disorder with Associated Myeloid Malignancies; Familial Platelet Disorder with Propensity to Acute Myelogenous Leukemia; Familial thrombocytopenia with propensity to acute myelogenous leukemia. Identifiers: Orphanet 71290, MedGen C1832388, MeSH C563324, MONDO:0100083, OMIM 601399.

Allele frequency attached by ClinVar (database versions not stated): 1000 Genomes Project 0.00120; gnomAD 0.00245 and 0.00252; TOPMed 0.00252; 1000 Genomes Project 30x 0.00265; gnomAD exomes 0.00382 and 0.00420; ExAC 0.00718.
gnomAD v4.1: 2,274 of 645,518 alleles (0.35%); highest among the groups gnomAD compares: Non-Finnish European, 0.4%; 12 homozygotes.

Submissions (3):

ClinGen Myeloid Malignancy Variant Curation Expert Panel
Classification: Benign for Hereditary thrombocytopenia and hematologic cancer predisposition syndrome. Last evaluated: 2024-08-28. Review status: reviewed by expert panel. Criteria: ClinGen MyeloMalig ACMG Specifications v2. Collection method: curation. Allele origin: germline. Inheritance: Autosomal dominant inheritance.
Comment: NM_001754.5(RUNX1):c.*113C>T is a UTR variant. MAF of 0.00362 (0.362%, 123/33968,) in the European (Non-Finnish) subpopulation of gnomAD cohort is ≥ 0.0015 (0.15%)(BA1). This variant is detected in a homozygous state in two individuals in a population database (gnomAD)(BP2). In summary, this variant meets criteria to be classified as benign. ACMG/AMP criteria applied, as specified by the Myeloid Malignancy Variant Curation Expert Panel for RUNX1: BA1, and BP2.

Illumina Laboratory Services, Illumina
Classification: Benign for Hereditary thrombocytopenia and hematological cancer predisposition syndrome associated with RUNX1. Last evaluated: 2018-01-12. Review status: criteria provided, single submitter. Criteria: ICSL Variant Classification Criteria 13 December 2019. Collection method: clinical testing. Allele origin: germline. Not counted in ClinVar's aggregate classification.
Comment: This variant was observed in the ICSL laboratory as part of a predisposition screen in an ostensibly healthy population. It had not been previously curated by ICSL or reported in the Human Gene Mutation Database (HGMD: prior to June 1st, 2018), and was therefore a candidate for classification through an automated scoring system. Utilizing variant allele frequency, disease prevalence and penetrance estimates, and inheritance mode, an automated score was calculated to assess if this variant is too frequent to cause the disease. Based on the score and internal cut-off values, a variant classified as benign is not then subjected to further curation. The score for this variant resulted in a classification of benign for this disease.

Breakthrough Genomics
Classification: Benign. Review status: criteria provided, single submitter. Criteria: ACMG Guidelines, 2015. Collection method: not provided. Allele origin: germline. Inheritance: Autosomal dominant inheritance. Affected: yes. Not counted in ClinVar's aggregate classification.

NM_001754.5(RUNX1):c.*113C>T

Gene: RUNX1 (RUNX family transcription factor 1; minus strand). Cytogenetic location: 21q22.12.
Variant type: single nucleotide variant.
Coding change: c.*113C>T on transcript NM_001754.5 (MANE Select); 113 bases downstream of the stop codon, C replaced by T.
Molecular consequence: 3 prime UTR variant.
Genome position (GRCh38, 1-based): chr21:34,792,022, G>A on the plus strand (C>T on the coding strand, the complement: RUNX1 is on the minus strand). VCF-style: chr21-34792022-G-A. GRCh37 (hg19) VCF-style: chr21-36164319-G-A.
Other names: c.*113C>T (NM_001001890.3).
Identifiers: ClinVar variation 339869 (VCV000339869.7), dbSNP rs187995123, ClinGen allele CA10014158.